The following is an entry in ClinVar:

ClinVar aggregate classification (germline): Conflicting classifications of pathogenicity. Review status: criteria provided, conflicting classifications (1 of 4 stars). 4 submissions from 4 submitters: Uncertain significance (3); Likely benign (1). Last evaluated 2025-06-24.

Allele frequency attached by ClinVar (database versions not stated): gnomAD 0.00004; TOPMed 0.00004; gnomAD exomes 0.00009 and 0.00017; ExAC 0.00018.
gnomAD v4.1: 140 of 1,614,078 alleles (0.0087%); highest among the groups gnomAD compares: South Asian, 0.14%; 2 homozygotes.

Submissions (4):

Labcorp Genetics (formerly Invitae), Labcorp
Classification: Likely benign. Last evaluated: 2025-06-24. Review status: criteria provided, single submitter. Criteria: Invitae Variant Classification Sherloc (09022015). Collection method: clinical testing. Allele origin: germline.

Blueprint Genetics
Classification: Uncertain significance. Last evaluated: 2024-07-03. Review status: criteria provided, single submitter. Criteria: ACMG Guidelines, 2015. Collection method: clinical testing. Allele origin: germline.

Revvity Omics, Revvity
Classification: Uncertain significance. Last evaluated: 2023-11-17. Review status: criteria provided, single submitter. Criteria: ACMG Guidelines, 2015. Collection method: clinical testing. Allele origin: germline.

GeneDx
Classification: Uncertain significance. Last evaluated: 2019-10-25. Review status: criteria provided, single submitter. Criteria: GeneDx Variant Classification Process June 2021. Collection method: clinical testing. Allele origin: germline. Affected: yes.
Comment: In silico analysis, which includes protein predictors and evolutionary conservation, supports that this variant does not alter protein structure/function; Has not been previously published as pathogenic or benign to our knowledge

NM_006005.3(WFS1):c.1774C>G (p.Leu592Val)

Gene: WFS1 (wolframin ER transmembrane glycoprotein; plus strand). Cytogenetic location: 4p16.1.
Variant type: single nucleotide variant.
Coding change: c.1774C>G on transcript NM_006005.3 (MANE Select); coding-DNA position 1774, C replaced by G.
Protein change: p.Leu592Val; replaces leucine 592 with valine.
Molecular consequence: missense variant.
Genome position (GRCh38, 1-based): chr4:6,301,569, C>G. VCF-style: chr4-6301569-C-G. GRCh37 (hg19) VCF-style: chr4-6303296-C-G.
Other names: c.1774C>G, p.Leu592Val (NM_001145853.1); short protein forms L592V.
Identifiers: ClinVar variation 1320760 (VCV001320760.12), dbSNP rs759136937, ClinGen allele CA2839486.